The following is an entry in ClinVar:

NM_000038.6(APC):c.6924C>G (p.Thr2308=)

Gene: APC (APC regulator of Wnt signaling pathway; plus strand). Cytogenetic location: 5q22.2.
Variant type: single nucleotide variant.
Coding change: c.6924C>G on transcript NM_000038.6 (MANE Select); coding-DNA position 6924, C replaced by G.
Protein change: p.Thr2308=; no amino-acid change (threonine 2308 retained).
Molecular consequence: synonymous variant. On other transcripts: non-coding transcript variant (2).
Genome position (GRCh38, 1-based): chr5:112,842,518, C>G. VCF-style: chr5-112842518-C-G. GRCh37 (hg19) VCF-style: chr5-112178215-C-G.
Other names: c.6924C>G, p.Thr2308= (NM_001407450.1, NM_001127510.3, NM_001354895.2); c.6978C>G, p.Thr2326= (NM_001407449.1, NM_001354896.2, NM_001407447.1 and 1 more transcripts); c.6903C>G, p.Thr2301= (NM_001407451.1); c.6894C>G, p.Thr2298= (NM_001407452.1); c.6747C>G, p.Thr2249= (NM_001407453.1, NM_001354901.2); c.6675C>G, p.Thr2225= (NM_001407454.1, NM_001407455.1, NM_001407456.1 and 1 more transcripts); c.6870C>G, p.Thr2290= (NM_001127511.3); c.6954C>G, p.Thr2318= (NM_001354897.2); and 11 more.
Identifiers: ClinVar variation 3254436 (VCV003254436.1), dbSNP rs1580676369.

ClinVar aggregate classification (germline): Benign (1 of 4 stars; one submission).

Conditions:
Familial adenomatous polyposis 1 (FAP1). Also called: FAMILIAL ADENOMATOUS POLYPOSIS 1, ATTENUATED; POLYPOSIS, ADENOMATOUS INTESTINAL. Identifiers: MedGen C2713442, MONDO:0021056, OMIM 175100. Disease mechanism: loss of function.

Submission:

Myriad Genetics, Inc.
Classification: Benign for Familial adenomatous polyposis 1. Last evaluated: 2024-04-08. Review status: criteria provided, single submitter. Criteria: Myriad Autosomal Dominant, Autosomal Recessive and X-Linked Classification Criteria (2023). Collection method: clinical testing. Allele origin: unknown.
Comment: This variant is considered benign. This variant is a silent/synonymous amino acid change and it is not expected to impact splicing.